The following is an entry in ClinVar:

NM_004260.4(RECQL4):c.2203_2205del (p.Arg735del)

Gene: RECQL4 (RecQ like helicase 4; minus strand). Cytogenetic location: 8q24.3.
Variant type: Deletion.
Coding change: c.2203_2205del on transcript NM_004260.4 (MANE Select); coding-DNA positions 2203 to 2205, 3 bases deleted (CGT; older notation c.2203_2205delCGT).
Protein change: p.Arg735del; deletes arginine 735.
Molecular consequence: inframe deletion.
Genome position (GRCh38, 1-based): chr8:144,513,476-144,513,478, ACG deleted on the plus strand (CGT on the coding strand, the reverse complement: RECQL4 is on the minus strand); deleting any 3 consecutive bases within chr8:144,513,476-144,513,480 gives the same sequence; the c. name uses the placement nearest the transcript's 3' end. VCF-style (leftmost placement, unchanged base first): chr8-144513475-CACG-C. GRCh37 (hg19) VCF-style: chr8-145738859-CACG-C.
Other names: short protein forms R735del.
Identifiers: ClinVar variation 1005921 (VCV001005921.3), dbSNP rs1827640804, ClinGen allele CA1826366719.
Genomic context (GRCh38, chr8:144,513,475, plus strand): 5'-CCCGCCGCCGTTCCCGGCTGCACATGCCCGCGTGGTAGGCCTCGGCTGTGGTTTTGGGGG[CACG>C]ACCTTTGGGGAAGACAGGCAGATGGTCAGTGGGATGGGACCATGTGTGCCCAAGGTGGGT-3'

ClinVar aggregate classification (germline): Uncertain significance (1 of 4 stars; one submission).

Conditions:
Baller-Gerold syndrome (BGS). Also called: CRANIOSYNOSTOSIS WITH RADIAL DEFECTS. Identifiers: Orphanet 1225, MedGen C0265308, MONDO:0009039, OMIM 218600.

Submission:

Labcorp Genetics (formerly Invitae), Labcorp
Classification: Uncertain significance for Baller-Gerold syndrome. Last evaluated: 2020-06-23. Review status: criteria provided, single submitter. Criteria: Invitae Variant Classification Sherloc (09022015). Collection method: clinical testing. Allele origin: germline.
Comment: In summary, the available evidence is currently insufficient to determine the role of this variant in disease. Therefore, it has been classified as a Variant of Uncertain Significance. Experimental studies and prediction algorithms are not available or were not evaluated, and the functional significance of this variant is currently unknown. This variant has not been reported in the literature in individuals with RECQL4-related conditions. This variant is not present in population databases (ExAC no frequency). This variant, c.2203_2205del, results in the deletion of one amino acid of the RECQL4 protein (p.Arg735del), but otherwise preserves the integrity of the reading frame.